The following is an entry in ClinVar:

NM_000143.4(FH):c.1255T>C (p.Ser419Pro)

Gene: FH (fumarate hydratase; minus strand). Cytogenetic location: 1q43.
Variant type: single nucleotide variant.
Coding change: c.1255T>C on transcript NM_000143.4 (MANE Select); coding-DNA position 1255, T replaced by C.
Protein change: p.Ser419Pro; replaces serine 419 with proline.
Molecular consequence: missense variant.
Genome position (GRCh38, 1-based): chr1:241,500,572, A>G on the plus strand (T>C on the coding strand, the complement: FH is on the minus strand). VCF-style: chr1-241500572-A-G. GRCh37 (hg19) VCF-style: chr1-241663872-A-G.
Identifiers: ClinVar variation 92451 (VCV000092451.29), dbSNP rs200004220, ClinGen allele CA285322.

ClinVar aggregate classification (germline): Pathogenic/Likely pathogenic. Review status: criteria provided, multiple submitters, no conflicts (2 of 4 stars). 10 submissions from 10 submitters: Pathogenic (4); Likely pathogenic (5). 1 of the submissions does not count toward it. Last evaluated 2025-04-23.

Conditions:
FH-related disorder. Also called: FH-related condition; FH-related disorders.
Hereditary leiomyomatosis and renal cell cancer. Also called: FH tumor predisposition syndrome; Reed syndrome; Multiple cutaneous and uterine leiomyomatosis; Cutaneous leiomyomata with uterine leiomyomata; Leiomyoma, hereditary multiple, of skin; Multiple cutaneous and uterine leiomyomata. Identifiers: Orphanet 523, MedGen C1708350, MONDO:0007888, OMIM 150800, HP:0007437. Disease mechanism: loss of function.
Fumarase deficiency (FMRD). Also called: Fumaric aciduria; Fumarate Hydratase Deficiency. Identifiers: Orphanet 24, MedGen C0342770, MONDO:0011730, OMIM 606812.
Hereditary cancer-predisposing syndrome. Also called: Tumor predisposition; Neoplastic Syndromes, Hereditary; Hereditary neoplastic syndrome; Hereditary Cancer Syndrome. Identifiers: Orphanet 140162, MedGen C0027672, MeSH D009386, MONDO:0015356.

Allele frequency attached by ClinVar (database versions not stated): gnomAD exomes below 0.00001; gnomAD 0.00001; TOPMed 0.00001.
gnomAD v4.1: 3 of 1,598,452 alleles (0.00019%); highest among the groups gnomAD compares: African/African-American, 0.0014%; no homozygotes.

Submissions (10):

Mayo Clinic Laboratories, Mayo Clinic
Classification: Pathogenic. Last evaluated: 2025-04-23. Review status: criteria provided, single submitter. Criteria: ACMG Guidelines, 2015. Collection method: clinical testing. Allele origin: germline. Observed: 2 variant alleles.
Comment: PP3_moderate, PP4, PM2_supporting, PS4_moderate

Labcorp Genetics (formerly Invitae), Labcorp
Classification: Pathogenic. Last evaluated: 2024-09-23. Review status: criteria provided, single submitter. Criteria: Invitae Variant Classification Sherloc (09022015). Collection method: clinical testing. Allele origin: germline.
Comment: This sequence change replaces serine, which is neutral and polar, with proline, which is neutral and non-polar, at codon 419 of the FH protein (p.Ser419Pro). This variant is not present in population databases (gnomAD no frequency). This missense change has been observed in individuals with hereditary leiomyomatosis and renal cell cancer (HLRCC) (PMID: 15937070; internal data). It has also been observed to segregate with disease in related individuals. This variant is also known as c.1126T>C (p.Ser376Pro). ClinVar contains an entry for this variant (Variation ID: 92451). Invitae Evidence Modeling of protein sequence and biophysical properties (such as structural, functional, and spatial information, amino acid conservation, physicochemical variation, residue mobility, and thermodynamic stability) indicates that this missense variant is expected to disrupt FH protein function with a positive predictive value of 95%. Experimental studies have shown that this missense change affects FH function (PMID: 16597677). For these reasons, this variant has been classified as Pathogenic.

Department of Pathology and Laboratory Medicine, Sinai Health System
Classification: Likely pathogenic for Hereditary leiomyomatosis and renal cell cancer; Fumarase deficiency. Last evaluated: 2024-04-17. Review status: criteria provided, single submitter. Criteria: ACMG Guidelines, 2015. Collection method: clinical testing. Allele origin: germline. Affected: yes.

Myriad Genetics, Inc.
Classification: Likely pathogenic for Hereditary leiomyomatosis and renal cell cancer. Last evaluated: 2023-07-06. Review status: criteria provided, single submitter. Criteria: Myriad Autosomal Dominant, Autosomal Recessive and X-Linked Classification Criteria (2023). Collection method: clinical testing. Allele origin: unknown.
Comment: This variant is considered likely pathogenic. This variant has been reported in multiple individuals with clinical features of gene-specific disease [PMID: 15937070, 31831373, 26945337]. Functional studies indicate this variant impacts protein function [PMID: 16597677]. This variant is expected to disrupt protein structure [Myriad internal data].

Ambry Genetics
Classification: Pathogenic for Hereditary cancer-predisposing syndrome. Last evaluated: 2023-05-04. Review status: criteria provided, single submitter. Criteria: Ambry Variant Classification Scheme 2023. Collection method: clinical testing. Allele origin: germline.
Comment: The p.S419P mutation (also known as c.1255T>C), located in coding exon 9 of the FH gene, results from a T to C substitution at nucleotide position 1255. The serine at codon 419 is replaced by proline, an amino acid with some similar properties. This alteration, also designated as S376P (1126T>C) in the literature, has been observed several individuals with a personal and/or family history that is consistent with HLRCC-related disease (Wei MH et al. J. Med. Genet. 2006 Jan;43(1):18-27; Sanz-Ortega J et al. Am J Surg Pathol. 2013 Jan;37:74-80; Ambry internal data). This amino acid position is highly conserved in available vertebrate species. In addition, this alteration is predicted to be deleterious by in silico analysis. Based on the supporting evidence, this alteration is interpreted as a disease-causing mutation.

Sema4
Classification: Likely pathogenic for Hereditary cancer-predisposing syndrome. Last evaluated: 2021-06-18. Review status: criteria provided, single submitter. Criteria: Sema4 Curation Guidelines. Collection method: curation. Allele origin: germline.
Comment: The FH c.1255T>C (p.S419P) variant has been reported as heterozygous in at least 4 individuals with hereditary multiple cutaneous leiomyomas and renal cell carcinoma (PMID: 26945337, 21404119, 15937070). Functional studies have shown that this variant impairs fumarate hydratase enzyme activity in patient-derived fibroblasts (PMID: 16597677). This variant was identified in 1 family, where it was found to segregate with the phenotype across 3 meioses/individuals (PMID: 15937070). It is also known as c.1126T>C (p.S376P) in the literature. This variant is not reported in the Genome Aggregation Database (PMID: 32461654) and has ben reported in ClinVar (Variation ID 92451). Based on the current evidence available, this variant is interpreted as likely pathogenic.

Revvity Omics, Revvity
Classification: Likely pathogenic. Last evaluated: 2020-01-27. Review status: criteria provided, single submitter. Criteria: ACMG Guidelines, 2015. Collection method: clinical testing. Allele origin: germline.

Genomic Diagnostic Laboratory, Division of Genomic Diagnostics, Children's Hospital of Philadelphia
Classification: Pathogenic for Hereditary leiomyomatosis and renal cell cancer. Last evaluated: 2017-01-17. Review status: criteria provided, single submitter. Criteria: DGD Variant Analysis Guidelines. Collection method: clinical testing. Allele origin: germline. Affected: yes. Observed: 3 variant alleles.
Comment: Clinical Testing

Eurofins Ntd Llc (ga)
Classification: Likely pathogenic. Last evaluated: 2012-12-20. Review status: criteria provided, single submitter. Criteria: EGL Classification Definitions 2015. Collection method: clinical testing. Allele origin: germline. Observed: 5 variant alleles, 5 heterozygotes.

PreventionGenetics, part of Exact Sciences
Classification: Pathogenic for FH-related condition. Last evaluated: 2024-01-12. Review status: no assertion criteria provided. Collection method: clinical testing. Allele origin: germline. Not counted in ClinVar's aggregate classification.
Comment: The FH c.1255T>C variant is predicted to result in the amino acid substitution p.Ser419Pro. This variant is alternately referred to as p.Ser376Pro using Legacy nomenclature. This variant has been reported in individuals and families with hereditary leiomyomatosis and renal cell cancer (HLRCC; Table 1, Figure 3, Family 4400, Wei et al. 2006. PubMed ID: 15937070; Pithukpakorn et al. 2006. PubMed ID: 16597677; Lehtonen et al. 2011. PubMed ID: 21404119; Table 1, Sanz-Ortega et al. 2013. PubMed ID: 23211287; Table S1, Scharnitz et al. 2023. PubMed ID: 36777509). This variant has not been reported in a large population database, indicating this variant is rare. This variant is interpreted as likely pathogenic and pathogenic in ClinVar. This variant is interpreted as pathogenic for autosomal dominant and recessive FH-associated disorders.

Literature cited by the submitters: PubMed 15937070 (cited by 5 submitters); PubMed 16597677 (cited by 5 submitters); PubMed 26945337 (cited by 3 submitters); PubMed 34994643 (cited by Mayo Clinic Laboratories, Mayo Clinic); PubMed 36777509 (cited by Mayo Clinic Laboratories, Mayo Clinic); PubMed 21404119 (cited by Department of Pathology and Laboratory Medicine, Sinai Health System and Sema4); PubMed 23211287 (cited by Department of Pathology and Laboratory Medicine, Sinai Health System and Ambry Genetics); PubMed 31831373 (cited by Myriad Genetics, Inc.).